The following is an entry in ClinVar:

NM_001164508.2(NEB):c.13573T>C (p.Leu4525=)

Gene: NEB (nebulin; minus strand). Cytogenetic location: 2q23.3.
Variant type: single nucleotide variant.
Coding change: c.13573T>C on transcript NM_001164508.2 (MANE Select); coding-DNA position 13573, T replaced by C.
Protein change: p.Leu4525=; no amino-acid change (leucine 4525 retained).
Molecular consequence: synonymous variant. On other transcripts: intron variant (1).
Genome position (GRCh38, 1-based): chr2:151,600,657, A>G on the plus strand (T>C on the coding strand, the complement: NEB is on the minus strand). VCF-style: chr2-151600657-A-G. GRCh37 (hg19) VCF-style: chr2-152457171-A-G.
Other names: c.13573T>C, p.Leu4525= (NM_001164507.2, NM_001271208.2); c.11601+9152T>C (NM_004543.5).
Identifiers: ClinVar variation 388692 (VCV000388692.11), dbSNP rs1057523201, ClinGen allele CA16603856.

ClinVar aggregate classification (germline): Likely benign. Review status: criteria provided, multiple submitters, no conflicts (2 of 4 stars). 2 submissions from 2 submitters: Likely benign (2). Last evaluated 2026-01-22.

Conditions:
Nemaline myopathy 2 (NEM2). Also called: Nemaline myopathy 2, autosomal recessive. Identifiers: MedGen C1850569, MONDO:0009725, OMIM 256030.

Submissions (2):

Labcorp Genetics (formerly Invitae), Labcorp
Classification: Likely benign for Nemaline myopathy 2. Last evaluated: 2026-01-22. Review status: criteria provided, single submitter. Criteria: Invitae Variant Classification Sherloc (09022015). Collection method: clinical testing. Allele origin: germline.

GeneDx
Classification: Likely benign. Last evaluated: 2017-07-20. Review status: criteria provided, single submitter. Criteria: GeneDx Variant Classification (06012015). Collection method: clinical testing. Allele origin: germline. Affected: yes.
Comment: This variant is considered likely benign or benign based on one or more of the following criteria: it is a conservative change, it occurs at a poorly conserved position in the protein, it is predicted to be benign by multiple in silico algorithms, and/or has population frequency not consistent with disease.